The following is an entry in ClinVar:

NM_001267550.2(TTN):c.71425del (p.Val23809fs)

Genes: TTN (titin; minus strand), TTN-AS1 (TTN antisense RNA 1; plus strand). Cytogenetic location: 2q31.2.
Variant type: Deletion.
Coding change: c.71425del on transcript NM_001267550.2 (MANE Select); coding-DNA position 71425, one base deleted (G; older notation c.71425delG).
Protein change: p.Val23809fs; shifts the reading frame from valine 23809.
Molecular consequence: frameshift variant.
Genome position (GRCh38, 1-based): chr2:178,574,707, C deleted on the plus strand (G on the coding strand, the reverse complement: TTN is on the minus strand). VCF-style (leftmost placement, unchanged base first): chr2-178574706-AC-A. GRCh37 (hg19) VCF-style: chr2-179439433-AC-A.
Other names: c.66502del, p.Val22168fs (NM_001256850.1); c.44230del, p.Val14744fs (NM_003319.4); c.63721del, p.Val21241fs (NM_133378.4); c.44605del, p.Val14869fs (NM_133432.3); c.44806del, p.Val14936fs (NM_133437.4); short protein forms V14744fs, V14869fs, V14936fs, V21241fs, V22168fs, V23809fs.
Identifiers: ClinVar variation 3759531 (VCV003759531.2).

ClinVar aggregate classification (germline): Likely pathogenic (1 of 4 stars; one submission).

Conditions:
Dilated cardiomyopathy 1G (CMD1G). Identifiers: Orphanet 154, MedGen C1858763, MONDO:0011400, OMIM 604145.
Autosomal recessive limb-girdle muscular dystrophy type 2J (LGMDR10). Also called: Limb-girdle muscular dystrophy, type 2J; MUSCULAR DYSTROPHY, LIMB-GIRDLE, AUTOSOMAL RECESSIVE 10. Identifiers: Orphanet 140922, MedGen C1837342, MONDO:0012127, OMIM 608807.

Submission:

Labcorp Genetics (formerly Invitae), Labcorp
Classification: Likely pathogenic for Dilated cardiomyopathy 1G; Autosomal recessive limb-girdle muscular dystrophy type 2J. Last evaluated: 2024-10-27. Review status: criteria provided, single submitter. Criteria: Invitae Variant Classification Sherloc (09022015). Collection method: clinical testing. Allele origin: germline.
Comment: This sequence change creates a premature translational stop signal (p.Val23809Leufs*10) in the TTN gene. While this is not anticipated to result in nonsense mediated decay, it is expected to create a truncated TTN protein. This variant is not present in population databases (gnomAD no frequency). This variant has not been reported in the literature in individuals affected with TTN-related conditions. This variant is located in the A band of TTN (PMID: 25589632). Truncating variants in this region are significantly overrepresented in patients affected with dilated cardiomyopathy (PMID: 25589632). Truncating variants in this region have also been reported in individuals affected with autosomal recessive centronuclear myopathy (PMID: 23975875). In summary, the currently available evidence indicates that the variant is pathogenic, but additional data are needed to prove that conclusively. Therefore, this variant has been classified as Likely Pathogenic.

Literature cited by the submitters: PubMed 25589632; PubMed 23975875.